The following is an entry in ClinVar:

NM_000548.5(TSC2):c.5029G>A (p.Asp1677Asn)

Gene: TSC2 (TSC complex subunit 2; plus strand). Cytogenetic location: 16p13.3.
Variant type: single nucleotide variant.
Coding change: c.5029G>A on transcript NM_000548.5 (MANE Select); coding-DNA position 5029, G replaced by A.
Protein change: p.Asp1677Asn; replaces aspartic acid 1677 with asparagine.
Molecular consequence: missense variant.
Genome position (GRCh38, 1-based): chr16:2,087,902, G>A. VCF-style: chr16-2087902-G-A. GRCh37 (hg19) VCF-style: chr16-2137903-G-A.
Other names: c.4828G>A, p.Asp1610Asn (NM_001077183.3); c.4960G>A, p.Asp1654Asn (NM_001114382.3); c.4720G>A, p.Asp1574Asn (NM_001318827.2); c.4684G>A, p.Asp1562Asn (NM_001318829.2); c.4297G>A, p.Asp1433Asn (NM_001318831.2); c.4861G>A, p.Asp1621Asn (NM_001318832.2); c.4831G>A, p.Asp1611Asn (NM_001363528.2); c.4897G>A, p.Asp1633Asn (NM_001370404.1); and 1 more; short protein forms D1677N, D1562N, D1611N, D1621N, D1574N, D1433N, D1634N, D1654N.
Identifiers: ClinVar variation 576468 (VCV000576468.15), dbSNP rs1163037065, ClinGen allele CA394311288.

ClinVar aggregate classification (germline): Conflicting classifications of pathogenicity. Review status: criteria provided, conflicting classifications (1 of 4 stars). 4 submissions from 4 submitters: Uncertain significance (3); Likely benign (1). Last evaluated 2025-05-09.

Conditions:
Hereditary cancer-predisposing syndrome. Also called: Hereditary neoplastic syndrome; Tumor predisposition; Hereditary Cancer Syndrome; Neoplastic Syndromes, Hereditary. Identifiers: Orphanet 140162, MedGen C0027672, MeSH D009386, MONDO:0015356.
Tuberous sclerosis 2 (TSC2). Identifiers: Orphanet 805, MedGen C1860707, MONDO:0013199, OMIM 613254.

Allele frequency attached by ClinVar (database versions not stated): gnomAD exomes below 0.00001; gnomAD 0.00001; TOPMed 0.00001.
gnomAD v4.1: 2 of 1,612,786 alleles (0.00012%); highest among the groups gnomAD compares: Admixed American, 0.0017%; no homozygotes.

Submissions (4):

Labcorp Genetics (formerly Invitae), Labcorp
Classification: Likely benign for Tuberous sclerosis 2. Last evaluated: 2025-05-09. Review status: criteria provided, single submitter. Criteria: Invitae Variant Classification Sherloc (09022015). Collection method: clinical testing. Allele origin: germline.

Ambry Genetics
Classification: Uncertain significance for Hereditary cancer-predisposing syndrome. Last evaluated: 2024-12-03. Review status: criteria provided, single submitter. Criteria: Ambry Variant Classification Scheme 2023. Collection method: clinical testing. Allele origin: germline.
Comment: The p.D1677N variant (also known as c.5029G>A), located in coding exon 38 of the TSC2 gene, results from a G to A substitution at nucleotide position 5029. The aspartic acid at codon 1677 is replaced by asparagine, an amino acid with highly similar properties. This amino acid position is highly conserved in available vertebrate species. In addition, the in silico prediction for this alteration is inconclusive. Based on the available evidence, the clinical significance of this variant remains unclear.

Genome-Nilou Lab
Classification: Uncertain significance for Tuberous sclerosis 2. Last evaluated: 2021-11-07. Review status: criteria provided, single submitter. Criteria: ACMG Guidelines, 2015. Collection method: clinical testing. Allele origin: germline. Affected: no.

GeneDx
Classification: Uncertain significance. Last evaluated: 2019-03-26. Review status: criteria provided, single submitter. Criteria: GeneDx Variant Classification Process June 2021. Collection method: clinical testing. Allele origin: germline. Affected: yes.
Comment: In silico analysis, which includes protein predictors and evolutionary conservation, supports a deleterious effect; Has not been previously published as pathogenic or benign to our knowledge